The following is an entry in ClinVar:

ClinVar aggregate classification (germline): Uncertain significance. Review status: criteria provided, multiple submitters, no conflicts (2 of 4 stars). 2 submissions from 2 submitters: Uncertain significance (2). Last evaluated 2025-11-05.

Conditions:
Familial adenomatous polyposis 1 (FAP1). Also called: POLYPOSIS, ADENOMATOUS INTESTINAL; FAMILIAL ADENOMATOUS POLYPOSIS 1, ATTENUATED. Identifiers: MedGen C2713442, MONDO:0021056, OMIM 175100. Disease mechanism: loss of function.
Hereditary cancer-predisposing syndrome. Also called: Neoplastic Syndromes, Hereditary; Tumor predisposition; Hereditary Cancer Syndrome; Hereditary neoplastic syndrome. Identifiers: Orphanet 140162, MedGen C0027672, MeSH D009386, MONDO:0015356.

gnomAD v4.1: 4 of 1,609,644 alleles (0.00025%); highest among the groups gnomAD compares: Non-Finnish European, 0.00034%; no homozygotes.

Submissions (2):

Labcorp Genetics (formerly Invitae), Labcorp
Classification: Uncertain significance for Familial adenomatous polyposis 1. Last evaluated: 2025-11-05. Review status: criteria provided, single submitter. Criteria: Invitae Variant Classification Sherloc (09022015). Collection method: clinical testing. Allele origin: germline.
Comment: This sequence change replaces leucine, which is neutral and non-polar, with valine, which is neutral and non-polar, at codon 69 of the APC protein (p.Leu69Val). This variant is not present in population databases (gnomAD no frequency). This variant has not been reported in the literature in individuals affected with APC-related conditions. Invitae Evidence Modeling of protein sequence and biophysical properties (such as structural, functional, and spatial information, amino acid conservation, physicochemical variation, residue mobility, and thermodynamic stability) indicates that this missense variant is not expected to disrupt APC protein function with a negative predictive value of 95%. In summary, the available evidence is currently insufficient to determine the role of this variant in disease. Therefore, it has been classified as a Variant of Uncertain Significance.

Ambry Genetics
Classification: Uncertain significance for Hereditary cancer-predisposing syndrome. Last evaluated: 2025-09-17. Review status: criteria provided, single submitter. Criteria: Ambry Variant Classification Scheme 2023. Collection method: clinical testing. Allele origin: germline.
Comment: The p.L69V variant (also known as c.205T>G), located in coding exon 2 of the APC gene, results from a T to G substitution at nucleotide position 205. The leucine at codon 69 is replaced by valine, an amino acid with highly similar properties. This amino acid position is well conserved in available vertebrate species. In addition, in silico predictors for this gene do not accurately predict pathogenicity. Missense alterations in APC are not a common cause of disease (Spier I et al. Genet Med. 2024 Feb;26(2):100992). Based on the available evidence, the clinical significance of this variant remains unclear.

NM_000038.6(APC):c.205T>G (p.Leu69Val)

Gene: APC (APC regulator of Wnt signaling pathway; plus strand). Cytogenetic location: 5q22.2.
Variant type: single nucleotide variant.
Coding change: c.205T>G on transcript NM_000038.6 (MANE Select); coding-DNA position 205, T replaced by G.
Protein change: p.Leu69Val; replaces leucine 69 with valine.
Molecular consequence: missense variant. On other transcripts: 5 prime UTR variant (4), non-coding transcript variant (2).
Genome position (GRCh38, 1-based): chr5:112,766,395, T>G. VCF-style: chr5-112766395-T-G. GRCh37 (hg19) VCF-style: chr5-112102092-T-G.
Other names: c.205T>G, p.Leu69Val (NM_001127510.3, NM_001354895.2, NM_001354896.2 and 16 more transcripts); c.235T>G, p.Leu79Val (NM_001127511.3, NM_001354897.2, NM_001354902.2 and 1 more transcripts); c.130T>G, p.Leu44Val (NM_001354898.2, NM_001354904.2, NM_001407451.1); c.28T>G, p.Leu10Val (NM_001354900.2, NM_001354901.2, NM_001354905.2 and 1 more transcripts); c.-831T>G (NM_001354906.2, NM_001407470.1, NM_001407471.1 and 1 more transcripts); short protein forms L44V, L79V, L10V, L69V.
Identifiers: ClinVar variation 4576000 (VCV004576000.2).